The following is an entry in ClinVar:

NM_002480.3(PPP1R12A):c.2144G>A (p.Arg715His)

Gene: PPP1R12A (protein phosphatase 1 regulatory subunit 12A; minus strand). Cytogenetic location: 12q21.2.
Variant type: single nucleotide variant.
Coding change: c.2144G>A on transcript NM_002480.3 (MANE Select); coding-DNA position 2144, G replaced by A.
Protein change: p.Arg715His; replaces arginine 715 with histidine.
Molecular consequence: missense variant.
Genome position (GRCh38, 1-based): chr12:79,797,343, C>T on the plus strand (G>A on the coding strand, the complement: PPP1R12A is on the minus strand). VCF-style: chr12-79797343-C-T. GRCh37 (hg19) VCF-style: chr12-80191123-C-T.
Other names: c.2144G>A (NM_002480.2); c.2144G>A, p.Arg715His (NM_001143885.2, NM_001244990.2); c.1883G>A, p.Arg628His (NM_001143886.2); c.1976G>A, p.Arg659His (NM_001244992.1); short protein forms R659H, R715H, R628H.
Identifiers: ClinVar variation 3718739 (VCV003718739.3).

ClinVar aggregate classification (germline): Uncertain significance. Review status: criteria provided, multiple submitters, no conflicts (2 of 4 stars). 2 submissions from 2 submitters: Uncertain significance (2). Last evaluated 2025-02-13.

Conditions:
Inborn genetic diseases. Identifiers: MedGen C0950123, MeSH D030342.

gnomAD v4.1: 28 of 1,602,878 alleles (0.0017%); highest among the groups gnomAD compares: Admixed American, 0.0034%; no homozygotes.

Submissions (2):

Ambry Genetics
Classification: Uncertain significance for Inborn genetic diseases. Last evaluated: 2025-02-13. Review status: criteria provided, single submitter. Criteria: Ambry Variant Classification Scheme 2023. Collection method: clinical testing. Allele origin: germline.

Labcorp Genetics (formerly Invitae), Labcorp
Classification: Uncertain significance. Last evaluated: 2024-05-02. Review status: criteria provided, single submitter. Criteria: Invitae Variant Classification Sherloc (09022015). Collection method: clinical testing. Allele origin: germline.
Comment: This sequence change replaces arginine, which is basic and polar, with histidine, which is basic and polar, at codon 715 of the PPP1R12A protein (p.Arg715His). This variant is present in population databases (rs760214335, gnomAD 0.006%). This variant has not been reported in the literature in individuals affected with PPP1R12A-related conditions. An algorithm developed to predict the effect of missense changes on protein structure and function (PolyPhen-2) suggests that this variant is likely to be disruptive. In summary, the available evidence is currently insufficient to determine the role of this variant in disease. Therefore, it has been classified as a Variant of Uncertain Significance.